The following is an entry in ClinVar:

NM_001903.5(CTNNA1):c.670G>A (p.Ala224Thr)

Gene: CTNNA1 (catenin alpha 1; plus strand). Cytogenetic location: 5q31.2.
Variant type: single nucleotide variant.
Coding change: c.670G>A on transcript NM_001903.5 (MANE Select); coding-DNA position 670, G replaced by A.
Protein change: p.Ala224Thr; replaces alanine 224 with threonine.
Molecular consequence: missense variant.
Genome position (GRCh38, 1-based): chr5:138,824,611, G>A. VCF-style: chr5-138824611-G-A. GRCh37 (hg19) VCF-style: chr5-138160300-G-A.
Other names: c.670G>A, p.Ala224Thr (NM_001290307.3, NM_001323982.2, NM_001323983.1 and 3 more transcripts); c.361G>A, p.Ala121Thr (NM_001290309.3); c.301G>A, p.Ala101Thr (NM_001290310.3); short protein forms A121T, A224T, A101T.
Identifiers: ClinVar variation 840471 (VCV000840471.12), dbSNP rs1166971890, ClinGen allele CA361129656.

ClinVar aggregate classification (germline): Uncertain significance. Review status: criteria provided, multiple submitters, no conflicts (2 of 4 stars). 3 submissions from 3 submitters: Uncertain significance (3). Last evaluated 2025-07-25.

Conditions:
Hereditary cancer-predisposing syndrome. Also called: Neoplastic Syndromes, Hereditary; Tumor predisposition; Hereditary neoplastic syndrome; Hereditary Cancer Syndrome. Identifiers: Orphanet 140162, MedGen C0027672, MeSH D009386, MONDO:0015356.

Allele frequency attached by ClinVar (database versions not stated): gnomAD 0.00001; TOPMed 0.00002; gnomAD exomes 0.00005.
gnomAD v4.1: 46 of 1,614,084 alleles (0.0028%); highest among the groups gnomAD compares: Non-Finnish European, 0.0038%; no homozygotes.

Submissions (3):

Labcorp Genetics (formerly Invitae), Labcorp
Classification: Uncertain significance. Last evaluated: 2025-07-25. Review status: criteria provided, single submitter. Criteria: Invitae Variant Classification Sherloc (09022015). Collection method: clinical testing. Allele origin: germline.
Comment: This sequence change replaces alanine, which is neutral and non-polar, with threonine, which is neutral and polar, at codon 224 of the CTNNA1 protein (p.Ala224Thr). This variant is not present in population databases (gnomAD no frequency). This variant has not been reported in the literature in individuals affected with CTNNA1-related conditions. ClinVar contains an entry for this variant (Variation ID: 840471). Invitae Evidence Modeling of protein sequence and biophysical properties (such as structural, functional, and spatial information, amino acid conservation, physicochemical variation, residue mobility, and thermodynamic stability) indicates that this missense variant is not expected to disrupt CTNNA1 protein function with a negative predictive value of 80%. In summary, the available evidence is currently insufficient to determine the role of this variant in disease. Therefore, it has been classified as a Variant of Uncertain Significance.

Ambry Genetics
Classification: Uncertain significance for Hereditary cancer-predisposing syndrome. Last evaluated: 2025-07-02. Review status: criteria provided, single submitter. Criteria: Ambry Variant Classification Scheme 2023. Collection method: clinical testing. Allele origin: germline.
Comment: The p.A224T variant (also known as c.670G>A), located in coding exon 5 of the CTNNA1 gene, results from a G to A substitution at nucleotide position 670. The alanine at codon 224 is replaced by threonine, an amino acid with similar properties. This amino acid position is highly conserved in available vertebrate species. In addition, this alteration is predicted to be deleterious by in silico analysis. Based on the available evidence, the clinical significance of this variant remains unclear.

GeneDx
Classification: Uncertain significance. Last evaluated: 2023-08-08. Review status: criteria provided, single submitter. Criteria: GeneDx Variant Classification Process June 2021. Collection method: clinical testing. Allele origin: germline. Affected: yes.
Comment: Not observed at significant frequency in large population cohorts (gnomAD); In silico analysis supports that this missense variant does not alter protein structure/function; Observed in individuals referred for hereditary cancer multi-gene panel testing (PMID: 32051609); This variant is associated with the following publications: (PMID: 32051609)